The following is an entry in ClinVar:

NM_003105.6(SORL1):c.5589C>T (p.Thr1863=)

Gene: SORL1 (sortilin related receptor 1; plus strand). Cytogenetic location: 11q24.1.
Variant type: single nucleotide variant.
Coding change: c.5589C>T on transcript NM_003105.6 (MANE Select); coding-DNA position 5589, C replaced by T.
Protein change: p.Thr1863=; no amino-acid change (threonine 1863 retained).
Molecular consequence: synonymous variant.
Genome position (GRCh38, 1-based): chr11:121,615,040, C>T. VCF-style: chr11-121615040-C-T. GRCh37 (hg19) VCF-style: chr11-121485749-C-T.
Other names: c.5589C>T (NM_003105.5).
Identifiers: ClinVar variation 2892439 (VCV002892439.5), dbSNP rs368504573, ClinGen allele CA6329988.
Genomic context (GRCh38, chr11:121,615,040, plus strand): 5'-ACCTGCACCTAGCCTCAAGGCCAAAGCCATCAACCAGACTGCAGTGGAATGTACCTGGAC[C>T]GGCCCCCGGAATGTGGTGAGTCAGCCAGAATGACCATCACAAAGTGAGTGTGGACTGTCC-3'
Protein context (NP_003096.2, residues 1853-1873): INQTAVECTW[Thr1863=]GPRNVVYGIF

ClinVar aggregate classification (germline): Benign. Review status: criteria provided, single submitter (1 of 4 stars). 2 submissions from 2 submitters: Benign (1). 1 of the submissions does not count toward it. Last evaluated 2024-01-11.

Conditions:
SORL1-related disorder. Also called: SORL1-related condition.

Allele frequency attached by ClinVar (database versions not stated): ESP Exome Variant Server 0.00008; gnomAD 0.00009; ExAC 0.00016; TOPMed 0.00016.
gnomAD v4.1: 95 of 1,600,846 alleles (0.0059%); highest among the groups gnomAD compares: East Asian, 0.15%; no homozygotes.

Submissions (2):

Labcorp Genetics (formerly Invitae), Labcorp
Classification: Benign. Last evaluated: 2024-01-11. Review status: criteria provided, single submitter. Criteria: Invitae Variant Classification Sherloc (09022015). Collection method: clinical testing. Allele origin: germline.

PreventionGenetics, part of Exact Sciences
Classification: Likely benign for SORL1-related condition. Last evaluated: 2019-08-08. Review status: no assertion criteria provided. Collection method: clinical testing. Allele origin: germline. Not counted in ClinVar's aggregate classification.
Comment: This variant is classified as likely benign based on ACMG/AMP sequence variant interpretation guidelines (Richards et al. 2015 PMID: 25741868, with internal and published modifications).